The following is an entry in ClinVar:

ClinVar aggregate classification (germline): Likely pathogenic. Review status: criteria provided, single submitter (1 of 4 stars). 2 submissions from 2 submitters: Likely pathogenic (1). 1 of the submissions does not count toward it. Last evaluated 2026-02-09.

Conditions:
Combined oxidative phosphorylation deficiency 56 (COXPD56). Identifiers: MedGen C5774261, MONDO:0859323, OMIM 620139.

Allele frequency attached by ClinVar (database versions not stated): gnomAD 0.00001; gnomAD exomes 0.00002; TOPMed 0.00003; ExAC 0.00006.
gnomAD v4.1: 36 of 1,608,796 alleles (0.0022%); highest among the groups gnomAD compares: Admixed American, 0.012%; no homozygotes.

Submissions (2):

GeneDx
Classification: Likely pathogenic. Last evaluated: 2026-02-09. Review status: criteria provided, single submitter. Criteria: GeneDx Variant Classification Process June 2021. Collection method: clinical testing. Allele origin: germline.
Comment: Published functional studies found this variant was unable to complement growth in yeast with deficiency of TAM41, the yeast ortholog of TAMM41 (PMID: 35321494); Not observed at significant frequency in large population cohorts (gnomAD); In silico analysis supports that this missense variant has a deleterious effect on protein structure/function; This variant is associated with the following publications: (PMID: 41436359, 35321494)

OMIM
Classification: Pathogenic for COMBINED OXIDATIVE PHOSPHORYLATION DEFICIENCY 56. Last evaluated: 2022-11-28. Review status: no assertion criteria provided. Collection method: literature only. Allele origin: germline. Not counted in ClinVar's aggregate classification.

Literature cited by the submitters: PubMed 35321494 (cited by OMIM).

NM_001284401.2(TAMM41):c.410C>T (p.Pro137Leu)

Gene: TAMM41 (TAM41 mitochondrial translocator assembly and maintenance homolog). Cytogenetic location: 3p25.2.
Variant type: single nucleotide variant.
Coding change: c.410C>T on transcript NM_001284401.2 (MANE Select); coding-DNA position 410, C replaced by T.
Protein change: p.Pro137Leu; replaces proline 137 with leucine.
Molecular consequence: missense variant. On other transcripts: 5 prime UTR variant (1), non-coding transcript variant (10).
Genome position (GRCh38, 1-based): chr3:11,839,223, G>A on the plus strand (C>T on the coding strand, the complement: TAMM41 is on the minus strand). VCF-style: chr3-11839223-G-A. GRCh37 (hg19) VCF-style: chr3-11880697-G-A.
Other names: TAMM41, PRO137LEU (rs775491404); c.287C>T, p.Pro96Leu (NM_001321294.2); c.-238C>T (NM_001321295.2); c.410C>T, p.Pro137Leu (NM_001366031.2, NM_001394474.1, NM_138807.4); c.410C>T (NM_138807.2); short protein forms P137L, P96L.
Identifiers: ClinVar variation 1800463 (VCV001800463.2), dbSNP rs775491404, ClinGen allele CA2257032.
Genomic context (GRCh38, chr3:11,839,223, plus strand): 5'-GTAAGGTTAGGCTCAGAGAGGAAAGGCATCCTTAACTGTGCAGCCTATAAAACACTCACC[G>A]GTTTTTGGAGTCGTCCAGCAATGTATAAGTTATTCCAGTTGAGGAGATCTTCAATCAGAA-3'
Protein context (NP_001271330.1, residues 127-147): NLYIAGRLQK[Pro137Leu]VKIISVNEDV